The following is an entry in ClinVar:

NM_139276.3(STAT3):c.1464+3T>C

Gene: STAT3 (signal transducer and activator of transcription 3; minus strand). Cytogenetic location: 17q21.2.
Variant type: single nucleotide variant.
Coding change: c.1464+3T>C on transcript NM_139276.3 (MANE Select); 3 bases into the intron after coding-DNA position 1464, T replaced by C.
Molecular consequence: intron variant.
Genome position (GRCh38, 1-based): chr17:42,324,960, A>G on the plus strand (T>C on the coding strand, the complement: STAT3 is on the minus strand). VCF-style: chr17-42324960-A-G. GRCh37 (hg19) VCF-style: chr17-40476978-A-G.
Other names: c.1368+3T>C (NM_001384989.1); c.1404+3T>C (NM_001384992.1); c.1380+3T>C (NM_001384984.1); c.1464+3T>C (NM_001369519.1, NM_003150.4, NM_001369517.1 and 11 more transcripts); c.1386+3T>C (NM_001384985.1); c.1479+3T>C (NM_001384986.1, NM_001384990.1).
Identifiers: ClinVar variation 2944968 (VCV002944968.3), dbSNP rs2509259486, ClinGen allele CA2637949108.

ClinVar aggregate classification (germline): Uncertain significance (1 of 4 stars; one submission).

Conditions:
Hyper-IgE recurrent infection syndrome 1, autosomal dominant. Also called: JOB SYNDROME; Job's Syndrome; STAT3 Hyper IgE Syndrome; Hyper-IgE recurrent infection syndrome 1; HYPER-IgE SYNDROME 1, AUTOSOMAL DOMINANT, WITH RECURRENT INFECTIONS. Identifiers: Orphanet 2314, MedGen C2936739, MONDO:0007818, OMIM 147060.
STAT3 gain of function. Identifiers: MedGen C4288261.

Allele frequency attached by ClinVar (database versions not stated): gnomAD exomes below 0.00001.

Submission:

Labcorp Genetics (formerly Invitae), Labcorp
Classification: Uncertain significance for STAT3 gain of function; Hyper-IgE recurrent infection syndrome 1, autosomal dominant. Last evaluated: 2023-07-31. Review status: criteria provided, single submitter. Criteria: Invitae Variant Classification Sherloc (09022015). Collection method: clinical testing. Allele origin: germline.
Comment: This variant is not present in population databases (gnomAD no frequency). In summary, the available evidence is currently insufficient to determine the role of this variant in disease. Therefore, it has been classified as a Variant of Uncertain Significance. Variants that disrupt the consensus splice site are a relatively common cause of aberrant splicing (PMID: 17576681, 9536098). Algorithms developed to predict the effect of sequence changes on RNA splicing suggest that this variant is not likely to affect RNA splicing. This variant has not been reported in the literature in individuals affected with STAT3-related conditions. This sequence change falls in intron 16 of the STAT3 gene. It does not directly change the encoded amino acid sequence of the STAT3 protein. It affects a nucleotide within the consensus splice site.

Literature cited by the submitters: PubMed 17576681; PubMed 9536098.